The following is an entry in ClinVar:

ClinVar aggregate classification (germline): Uncertain significance (1 of 4 stars; one submission).

Allele frequency attached by ClinVar (database versions not stated): gnomAD exomes below 0.00001.

Submission:

Labcorp Genetics (formerly Invitae), Labcorp
Classification: Uncertain significance. Last evaluated: 2023-10-25. Review status: criteria provided, single submitter. Criteria: Invitae Variant Classification Sherloc (09022015). Collection method: clinical testing. Allele origin: germline.
Comment: This sequence change creates a premature translational stop signal (p.Gln193*) in the IL18BP gene. While this is not anticipated to result in nonsense mediated decay, it is expected to disrupt the last 2 amino acid(s) of the IL18BP protein. This variant is not present in population databases (gnomAD no frequency). This variant has not been reported in the literature in individuals affected with IL18BP-related conditions. In summary, the available evidence is currently insufficient to determine the role of this variant in disease. Therefore, it has been classified as a Variant of Uncertain Significance.

NM_001039660.2(IL18BP):c.577C>T (p.Gln193Ter)

Gene: IL18BP (interleukin 18 binding protein; plus strand). Cytogenetic location: 11q13.4.
Variant type: single nucleotide variant.
Coding change: c.577C>T on transcript NM_001039660.2 (MANE Select); coding-DNA position 577, C replaced by T.
Protein change: p.Gln193Ter; replaces glutamine 193 with a stop codon.
Molecular consequence: nonsense. On other transcripts: missense variant (2), 3 prime UTR variant (1).
Genome position (GRCh38, 1-based): chr11:72,001,853, C>T. VCF-style: chr11-72001853-C-T. GRCh37 (hg19) VCF-style: chr11-71712899-C-T.
Other names: c.577C>T, p.Gln193Ter (NM_001039659.2, NM_001145057.1, NM_173042.2); c.305C>T, p.Ala102Val (NM_001145055.1); c.*208C>T (NM_005699.3); c.449C>T, p.Ala150Val (NM_173044.3); short protein forms Q193*, A102V, A150V.
Identifiers: ClinVar variation 2790743 (VCV002790743.3), dbSNP rs2495877745, ClinGen allele CA381725742.
Genomic context (GRCh38, chr11:72,001,853, plus strand): 5'-AGGGCAACCTTGCCCCCCACCCAAGAAGCCCTGCCCTCCAGCCACAGCAGTCCACAGCAG[C>T]AGGGTTAAGACTCAGCACAGGGCCAGCAGCAGCACAACCTTGACCAGAGCTTGGGTCCTA-3'